The following is an entry in ClinVar:

ClinVar aggregate classification (germline): Pathogenic/Likely pathogenic. Review status: criteria provided, multiple submitters, no conflicts (2 of 4 stars). 2 submissions from 2 submitters: Pathogenic (1); Likely pathogenic (1). Last evaluated 2024-03-25.

Conditions:
Brain small vessel disease 1 with or without ocular anomalies (BSVD1). Also called: GOULD SYNDROME 1; BRAIN SMALL VESSEL DISEASE WITH HEMORRHAGE; PORENCEPHALY, TYPE 1, AUTOSOMAL DOMINANT; Brain small vessel disease with or without ocular anomalies. Identifiers: Orphanet 2940, Orphanet 36383, Orphanet 99810, MedGen C4755307, MONDO:0008289, OMIM 175780.

Submissions (2):

Genomic Medicine Center of Excellence, King Faisal Specialist Hospital and Research Centre
Classification: Likely pathogenic for Brain small vessel disease 1 with or without ocular anomalies. Last evaluated: 2024-03-25. Review status: criteria provided, single submitter. Criteria: ACMG Guidelines, 2015. Collection method: research. Allele origin: germline.

GeneDx
Classification: Pathogenic. Last evaluated: 2022-01-31. Review status: criteria provided, single submitter. Criteria: GeneDx Variant Classification Process June 2021. Collection method: clinical testing. Allele origin: germline. Affected: yes.
Comment: Identified in a patient from a cohort of individuals with mitochondrial disease; however, authors report an unconfirmed association to the patient phenotype (Kerr e al., 2020); Affects a glycine residue in a Gly-X-Y motif in the triple helical region of the COL4A1 gene, where the majority of pathogenic missense variants occur, and is predicted to disrupt normal protein folding and function (Stenson et al., 2014; Weng et al., 2012; Yoneda et al., 2013); Not observed at significant frequency in large population cohorts (gnomAD); In silico analysis supports that this missense variant has a deleterious effect on protein structure/function; This variant is associated with the following publications: (PMID: 32980267, 24077912, 22522439, 23225343)

NM_001845.6(COL4A1):c.3208G>A (p.Gly1070Arg)

Gene: COL4A1 (collagen type IV alpha 1 chain; minus strand). Cytogenetic location: 13q34.
Variant type: single nucleotide variant.
Coding change: c.3208G>A on transcript NM_001845.6 (MANE Select); coding-DNA position 3208, G replaced by A.
Protein change: p.Gly1070Arg; replaces glycine 1070 with arginine.
Molecular consequence: missense variant.
Genome position (GRCh38, 1-based): chr13:110,174,740, C>T on the plus strand (G>A on the coding strand, the complement: COL4A1 is on the minus strand). VCF-style: chr13-110174740-C-T. GRCh37 (hg19) VCF-style: chr13-110827087-C-T.
Other names: c.3208G>A (NM_001845.5); short protein forms G1070R.
Identifiers: ClinVar variation 389091 (VCV000389091.6), dbSNP rs1057523325, ClinGen allele CA16606387.